The following is an entry in ClinVar:

ClinVar aggregate classification (germline): Uncertain significance (1 of 4 stars; one submission).

gnomAD v4.1: 8 of 1,210,792 alleles (0.00066%); highest among the groups gnomAD compares: Non-Finnish European, 0.00089%; no homozygotes.

Submission:

GeneDx
Classification: Uncertain significance. Last evaluated: 2024-08-30. Review status: criteria provided, single submitter. Criteria: GeneDx Variant Classification Process June 2021. Collection method: clinical testing. Allele origin: germline. Affected: yes.
Comment: Not observed at significant frequency in large population cohorts (gnomAD); In silico analysis supports that this missense variant has a deleterious effect on protein structure/function; Has not been previously published as pathogenic or benign to our knowledge

NM_005120.3(MED12):c.726C>A (p.Phe242Leu)

Gene: MED12 (mediator complex subunit 12; plus strand). Cytogenetic location: Xq13.1.
Variant type: single nucleotide variant.
Coding change: c.726C>A on transcript NM_005120.3 (MANE Select); coding-DNA position 726, C replaced by A.
Protein change: p.Phe242Leu; replaces phenylalanine 242 with leucine.
Molecular consequence: missense variant.
Genome position (GRCh38, 1-based): chrX:71,121,143, C>A. VCF-style: chrX-71121143-C-A. GRCh37 (hg19) VCF-style: chrX-70340993-C-A.
Other names: short protein forms F242L.
Identifiers: ClinVar variation 3765929 (VCV003765929.1).